The following is an entry in ClinVar:

NM_006563.5(KLF1):c.269C>T (p.Ala90Val)

Gene: KLF1 (KLF transcription factor 1; minus strand). Cytogenetic location: 19p13.13.
Variant type: single nucleotide variant.
Coding change: c.269C>T on transcript NM_006563.5 (MANE Select); coding-DNA position 269, C replaced by T.
Protein change: p.Ala90Val; replaces alanine 90 with valine.
Molecular consequence: missense variant.
Genome position (GRCh38, 1-based): chr19:12,885,961, G>A on the plus strand (C>T on the coding strand, the complement: KLF1 is on the minus strand). VCF-style: chr19-12885961-G-A. GRCh37 (hg19) VCF-style: chr19-12996775-G-A.
Other names: short protein forms A90V.
Identifiers: ClinVar variation 3617927 (VCV003617927.2).

ClinVar aggregate classification (germline): Uncertain significance (1 of 4 stars; one submission).

gnomAD v4.1: 3 of 1,575,458 alleles (0.00019%); highest among the groups gnomAD compares: Admixed American, 0.0055%; no homozygotes.

Submission:

Labcorp Genetics (formerly Invitae), Labcorp
Classification: Uncertain significance. Last evaluated: 2024-04-27. Review status: criteria provided, single submitter. Criteria: Invitae Variant Classification Sherloc (09022015). Collection method: clinical testing. Allele origin: germline.
Comment: This sequence change replaces alanine, which is neutral and non-polar, with valine, which is neutral and non-polar, at codon 90 of the KLF1 protein (p.Ala90Val). This variant is not present in population databases (gnomAD no frequency). This variant has not been reported in the literature in individuals affected with KLF1-related conditions. Advanced modeling of protein sequence and biophysical properties (such as structural, functional, and spatial information, amino acid conservation, physicochemical variation, residue mobility, and thermodynamic stability) performed at Invitae indicates that this missense variant is not expected to disrupt KLF1 protein function with a negative predictive value of 80%. In summary, the available evidence is currently insufficient to determine the role of this variant in disease. Therefore, it has been classified as a Variant of Uncertain Significance.